The following is an entry in ClinVar:

ClinVar aggregate classification (germline): Pathogenic (1 of 4 stars; one submission).

Conditions:
Cerebral cavernous malformation (CCM). Also called: CAVERNOUS ANGIOMA, FAMILIAL; CAVERNOUS ANGIOMATOUS MALFORMATIONS; CEREBRAL CAPILLARY MALFORMATIONS; Cavernous Hemangioma of Brain; Cerebral cavernous hemangioma (type); Cerebral cavernous malformations. Identifiers: Orphanet 221061, MedGen C2919945, MONDO:0000820, OMIM 116860, HP:0033522.

Submission:

Labcorp Genetics (formerly Invitae), Labcorp
Classification: Pathogenic for Cerebral cavernous malformation. Last evaluated: 2026-01-12. Review status: criteria provided, single submitter. Criteria: Invitae Variant Classification Sherloc (09022015). Collection method: clinical testing. Allele origin: germline.
Comment: This sequence change creates a premature translational stop signal (p.Tyr419Metfs*18) in the KRIT1 gene. It is expected to result in an absent or disrupted protein product. Loss-of-function variants in KRIT1 are known to be pathogenic (PMID: 10508515, 11222804, 12404106, 24689081). This variant is not present in population databases (gnomAD no frequency). This premature translational stop signal has been observed in individual(s) with cerebral cavernous malformations (PMID: 12854741, 21029238). This variant is also known as 1689 del A. ClinVar contains an entry for this variant (Variation ID: 2735047). Algorithms developed to predict the effect of sequence changes on RNA splicing suggest that this variant may disrupt the consensus splice site. For these reasons, this variant has been classified as Pathogenic.

Literature cited by the submitters: PubMed 10508515; PubMed 11222804; PubMed 12404106; PubMed 24689081; PubMed 12854741; PubMed 21029238.

NM_194454.3(KRIT1):c.1254del (p.Tyr419fs)

Gene: KRIT1 (KRIT1 ankyrin repeat containing; minus strand). Cytogenetic location: 7q21.2.
Variant type: Deletion.
Coding change: c.1254del on transcript NM_194454.3 (MANE Select); coding-DNA position 1254, one base deleted (A; older notation c.1254delA).
Protein change: p.Tyr419fs; shifts the reading frame from tyrosine 419.
Molecular consequence: frameshift variant.
Genome position (GRCh38, 1-based): chr7:92,225,720, T deleted on the plus strand (A on the coding strand, the reverse complement: KRIT1 is on the minus strand). VCF-style (leftmost placement, unchanged base first): chr7-92225719-CT-C. GRCh37 (hg19) VCF-style: chr7-91855033-CT-C.
Other names: c.1110del, p.Tyr371fs (NM_001013406.2, NM_001350669.1, NM_001350670.1); c.540del, p.Tyr181fs (NM_001350671.1); c.1254del, p.Tyr419fs (NM_001350672.1, NM_001350673.1, NM_001350674.1 and 26 more transcripts); short protein forms Y419fs, Y181fs, Y371fs.
Identifiers: ClinVar variation 2735047 (VCV002735047.3), dbSNP rs2535871479, ClinGen allele CA2695207919.